The following is an entry in ClinVar:

ClinVar aggregate classification (germline): Uncertain significance. Review status: criteria provided, multiple submitters, no conflicts (2 of 4 stars). 2 submissions from 2 submitters: Uncertain significance (2). Last evaluated 2024-07-02.

Conditions:
Primary ciliary dyskinesia 23 (CILD23). Also called: CILIARY DYSKINESIA, PRIMARY, 23, WITH OR WITHOUT SITUS INVERSUS. Identifiers: Orphanet 244, MedGen C3809548, MONDO:0014193, OMIM 615451.
Primary ciliary dyskinesia. Also called: Ciliary dyskinesia. Identifiers: Orphanet 244, MedGen C0008780, MONDO:0016575, HP:0012265.

Allele frequency attached by ClinVar (database versions not stated): ExAC 0.00004; gnomAD exomes 0.00006; gnomAD 0.00007; TOPMed 0.00008.
gnomAD v4.1: 162 of 1,613,946 alleles (0.01%); highest among the groups gnomAD compares: Admixed American, 0.015%; no homozygotes.

Submissions (2):

Ambry Genetics
Classification: Uncertain significance for Primary ciliary dyskinesia. Last evaluated: 2024-07-02. Review status: criteria provided, single submitter. Criteria: Ambry Variant Classification Scheme 2023. Collection method: clinical testing. Allele origin: germline.

Labcorp Genetics (formerly Invitae), Labcorp
Classification: Uncertain significance for Primary ciliary dyskinesia 23. Last evaluated: 2021-08-30. Review status: criteria provided, single submitter. Criteria: Invitae Variant Classification Sherloc (09022015). Collection method: clinical testing. Allele origin: germline.
Comment: This sequence change replaces alanine with threonine at codon 994 of the ARMC4 protein (p.Ala994Thr). The alanine residue is moderately conserved and there is a small physicochemical difference between alanine and threonine. This variant is present in population databases (rs369022423, ExAC 0.02%). This variant has not been reported in the literature in individuals affected with ARMC4-related conditions. Algorithms developed to predict the effect of missense changes on protein structure and function (SIFT, PolyPhen-2, Align-GVGD) all suggest that this variant is likely to be tolerated. In summary, the available evidence is currently insufficient to determine the role of this variant in disease. Therefore, it has been classified as a Variant of Uncertain Significance.

NM_018076.5(ODAD2):c.2980G>A (p.Ala994Thr)

Gene: ODAD2 (outer dynein arm docking complex subunit 2; minus strand). Cytogenetic location: 10p12.1.
Variant type: single nucleotide variant.
Coding change: c.2980G>A on transcript NM_018076.5 (MANE Select); coding-DNA position 2980, G replaced by A.
Protein change: p.Ala994Thr; replaces alanine 994 with threonine.
Molecular consequence: missense variant.
Genome position (GRCh38, 1-based): chr10:27,860,666, C>T on the plus strand (G>A on the coding strand, the complement: ODAD2 is on the minus strand). VCF-style: chr10-27860666-C-T. GRCh37 (hg19) VCF-style: chr10-28149595-C-T.
Other names: c.2980G>A, p.Ala994Thr (NM_001290020.2); c.1555G>A, p.Ala519Thr (NM_001290021.2); c.2056G>A, p.Ala686Thr (NM_001312689.2); short protein forms A994T, A519T, A686T.
Identifiers: ClinVar variation 541500 (VCV000541500.11), dbSNP rs369022423, ClinGen allele CA5453051.